The following is an entry in ClinVar:

ClinVar aggregate classification (germline): Uncertain significance (1 of 4 stars; one submission).

Allele frequency attached by ClinVar (database versions not stated): gnomAD exomes below 0.00001.
gnomAD v4.1: 2 of 1,614,244 alleles (0.00012%); highest among the groups gnomAD compares: East Asian, 0.0045%; no homozygotes.

Submission:

Labcorp Genetics (formerly Invitae), Labcorp
Classification: Uncertain significance. Last evaluated: 2022-06-04. Review status: criteria provided, single submitter. Criteria: Invitae Variant Classification Sherloc (09022015). Collection method: clinical testing. Allele origin: germline.
Comment: This sequence change replaces glutamine, which is neutral and polar, with arginine, which is basic and polar, at codon 919 of the TRPM1 protein (p.Gln919Arg). This variant is present in population databases (no rsID available, gnomAD 0.006%). This variant has not been reported in the literature in individuals affected with TRPM1-related conditions. Algorithms developed to predict the effect of missense changes on protein structure and function are either unavailable or do not agree on the potential impact of this missense change (SIFT: "Tolerated"; PolyPhen-2: "Possibly Damaging"; Align-GVGD: "Class C0"). In summary, the available evidence is currently insufficient to determine the role of this variant in disease. Therefore, it has been classified as a Variant of Uncertain Significance.

NM_001252024.2(TRPM1):c.2822A>G (p.Gln941Arg)

Genes: TRPM1 (transient receptor potential cation channel subfamily M member 1; minus strand), TRPM1-AS1 (TRPM1 antisense RNA 1; plus strand). Cytogenetic location: 15q13.3.
Variant type: single nucleotide variant.
Coding change: c.2822A>G on transcript NM_001252024.2 (MANE Select); coding-DNA position 2822, A replaced by G.
Protein change: p.Gln941Arg; replaces glutamine 941 with arginine.
Molecular consequence: missense variant.
Genome position (GRCh38, 1-based): chr15:31,032,819, T>C on the plus strand (A>G on the coding strand, the complement: TRPM1 is on the minus strand). VCF-style: chr15-31032819-T-C. GRCh37 (hg19) VCF-style: chr15-31325022-T-C.
Other names: c.2873A>G, p.Gln958Arg (NM_001252020.2); c.2756A>G, p.Gln919Arg (NM_002420.6); short protein forms Q941R, Q919R, Q958R.
Identifiers: ClinVar variation 1956842 (VCV001956842.5), dbSNP rs1172492113, ClinGen allele CA391546097.